The following is an entry in ClinVar:

ClinVar aggregate classification (germline): Uncertain significance (1 of 4 stars; one submission).

Submission:

CeGaT Center for Human Genetics Tuebingen
Classification: Uncertain significance. Last evaluated: 2022-03-01. Review status: criteria provided, single submitter. Criteria: CeGaT Center For Human Genetics Tuebingen Variant Classification Criteria Version 2. Collection method: clinical testing. Allele origin: germline. Affected: yes. Observed: 1 variant allele.
Comment: POLR3A: PM2, BP4

NM_007055.4(POLR3A):c.4025-3C>T

Gene: POLR3A (RNA polymerase III subunit A; minus strand). Cytogenetic location: 10q22.3.
Variant type: single nucleotide variant.
Coding change: c.4025-3C>T on transcript NM_007055.4 (MANE Select); 3 bases into the intron before coding-DNA position 4025, C replaced by T.
Molecular consequence: intron variant.
Genome position (GRCh38, 1-based): chr10:77,977,629, G>A on the plus strand (C>T on the coding strand, the complement: POLR3A is on the minus strand). VCF-style: chr10-77977629-G-A. GRCh37 (hg19) VCF-style: chr10-79737387-G-A.
Identifiers: ClinVar variation 2640622 (VCV002640622.24), dbSNP rs2493177627, ClinGen allele CA2695200859.